The following is an entry in ClinVar:

ClinVar aggregate classification (germline): Uncertain significance. Review status: criteria provided, multiple submitters, no conflicts (2 of 4 stars). 3 submissions from 3 submitters: Uncertain significance (3). Last evaluated 2026-01-19.

Conditions:
Combined oxidative phosphorylation defect type 23. Also called: Combined oxidative phosphorylation deficiency 23. Identifiers: Orphanet 444013, MedGen C5567743, MONDO:0014525, OMIM 616198.

Allele frequency attached by ClinVar (database versions not stated): ExAC 0.00002; 1000 Genomes Project 30x 0.00047; 1000 Genomes Project 0.00040.
gnomAD v4.1: 17 of 1,613,010 alleles (0.0011%); highest among the groups gnomAD compares: Admixed American, 0.023%; no homozygotes.

Submissions (3):

Labcorp Genetics (formerly Invitae), Labcorp
Classification: Uncertain significance. Last evaluated: 2026-01-19. Review status: criteria provided, single submitter. Criteria: Invitae Variant Classification Sherloc (09022015). Collection method: clinical testing. Allele origin: germline.
Comment: This sequence change replaces glycine, which is neutral and non-polar, with aspartic acid, which is acidic and polar, at codon 185 of the GTPBP3 protein (p.Gly185Asp). This variant is present in population databases (rs199876072, gnomAD 0.01%). This variant has not been reported in the literature in individuals affected with GTPBP3-related conditions. ClinVar contains an entry for this variant (Variation ID: 1397700). Invitae Evidence Modeling of protein sequence and biophysical properties (such as structural, functional, and spatial information, amino acid conservation, physicochemical variation, residue mobility, and thermodynamic stability) indicates that this missense variant is not expected to disrupt GTPBP3 protein function with a negative predictive value of 80%. In summary, the available evidence is currently insufficient to determine the role of this variant in disease. Therefore, it has been classified as a Variant of Uncertain Significance.

Fulgent Genetics
Classification: Uncertain significance for Combined oxidative phosphorylation defect type 23. Last evaluated: 2024-01-09. Review status: criteria provided, single submitter. Criteria: ACMG Guidelines, 2015. Collection method: clinical testing. Allele origin: germline.

GeneDx
Classification: Uncertain significance. Last evaluated: 2024-01-03. Review status: criteria provided, single submitter. Criteria: GeneDx Variant Classification Process June 2021. Collection method: clinical testing. Allele origin: germline. Affected: yes.
Comment: Not observed at significant frequency in large population cohorts (gnomAD); In silico analysis supports that this missense variant has a deleterious effect on protein structure/function; Has not been previously published as pathogenic or benign to our knowledge

NM_032620.4(GTPBP3):c.554G>A (p.Gly185Asp)

Gene: GTPBP3 (GTP binding protein 3, mitochondrial; plus strand). Cytogenetic location: 19p13.11.
Variant type: single nucleotide variant.
Coding change: c.554G>A on transcript NM_032620.4 (MANE Select); coding-DNA position 554, G replaced by A.
Protein change: p.Gly185Asp; replaces glycine 185 with aspartic acid.
Molecular consequence: missense variant.
Genome position (GRCh38, 1-based): chr19:17,338,704, G>A. VCF-style: chr19-17338704-G-A. GRCh37 (hg19) VCF-style: chr19-17449513-G-A.
Other names: c.554G>A (NM_133644.3); c.554G>A, p.Gly185Asp (NM_001128855.3, NM_133644.4); c.620G>A, p.Gly207Asp (NM_001195422.1); short protein forms G207D, G185D.
Identifiers: ClinVar variation 1397700 (VCV001397700.7), dbSNP rs199876072, ClinGen allele CA9293389.